The following is an entry in ClinVar:

NM_144997.7(FLCN):c.1601del (p.Lys534fs)

Gene: FLCN (folliculin; minus strand). Cytogenetic location: 17p11.2.
Variant type: Deletion.
Coding change: c.1601del on transcript NM_144997.7 (MANE Select); coding-DNA position 1601, one base deleted (A; older notation c.1601delA).
Protein change: p.Lys534fs; shifts the reading frame from lysine 534.
Molecular consequence: frameshift variant.
Genome position (GRCh38, 1-based): chr17:17,213,794, T deleted on the plus strand (A on the coding strand, the reverse complement: FLCN is on the minus strand); the first of 2 consecutive T bases (chr17:17,213,794-17,213,795); deleting either gives the same sequence. VCF-style (leftmost placement, unchanged base first): chr17-17213793-CT-C. GRCh37 (hg19) VCF-style: chr17-17117107-CT-C.
Other names: c.1601del (LRG_325t1); c.1655del, p.Lys552fs (NM_001353229.2); c.1601del, p.Lys534fs (NM_001353230.2, NM_001353231.2); c.1601delA (NM_144997.5); short protein forms K534fs, K552fs.
Identifiers: ClinVar variation 265155 (VCV000265155.6), dbSNP rs886039371, ClinGen allele CA10588639.
Genomic context (GRCh38, chr17:17,213,793, plus strand): 5'-CATCCAGAACTTCAGCAGCTTGACATTGTCCTCCTCGGACGCACCCAGGATGCTCAGCAG[CT>C]TCTGTGTGTCCTCTTTGGGTCGACTGTCCACCTTGGTGAACTTAAAAAGCACCTTCACTT-3'

ClinVar aggregate classification (germline): Pathogenic. Review status: criteria provided, multiple submitters, no conflicts (2 of 4 stars). 2 submissions from 2 submitters: Pathogenic (2). Last evaluated 2025-05-02.

Conditions:
Colorectal cancer. Also called: Colorectal cancer, somatic; Malignant Colorectal Neoplasm. Identifiers: MedGen C0346629, MONDO:0005575, OMIM 114500.
Nonpapillary renal cell carcinoma. Identifiers: Orphanet 422526, MedGen CN074294, MONDO:0007763, OMIM 144700.
Familial spontaneous pneumothorax (PSP). Identifiers: Orphanet 2903, MedGen C1868193, MONDO:0008259, OMIM 173600.
Birt-Hogg-Dube syndrome 1 (BHD1). Also called: FIBROFOLLICULOMAS WITH TRICHODISCOMAS AND ACROCHORDONS. Identifiers: Orphanet 122, MedGen CN375946, MONDO:0800445, OMIM 135150.

Submissions (2):

GeneDx
Classification: Pathogenic. Last evaluated: 2025-05-02. Review status: criteria provided, single submitter. Criteria: GeneDx Variant Classification Process June 2021. Collection method: clinical testing. Allele origin: germline. Affected: yes.
Comment: Frameshift variant predicted to result in protein truncation in a gene for which loss of function is a known mechanism of disease; Not observed at significant frequency in large population cohorts (gnomAD); Has not been previously published as pathogenic or benign to our knowledge; This variant is associated with the following publications: (PMID: 17028174)

Department of Pathology and Laboratory Medicine, Sinai Health System
Classification: Pathogenic for Birt-Hogg-Dube syndrome 1; Colorectal cancer; Familial spontaneous pneumothorax; Nonpapillary renal cell carcinoma. Last evaluated: 2023-03-29. Review status: criteria provided, single submitter. Criteria: ACMG Guidelines, 2015. Collection method: clinical testing. Allele origin: germline. Affected: yes.